The following is an entry in ClinVar:

NM_004958.4(MTOR):c.5216A>G (p.His1739Arg)

Gene: MTOR (mechanistic target of rapamycin kinase; minus strand). Cytogenetic location: 1p36.22.
Variant type: single nucleotide variant.
Coding change: c.5216A>G on transcript NM_004958.4 (MANE Select); coding-DNA position 5216, A replaced by G.
Protein change: p.His1739Arg; replaces histidine 1739 with arginine.
Molecular consequence: missense variant.
Genome position (GRCh38, 1-based): chr1:11,134,381, T>C on the plus strand (A>G on the coding strand, the complement: MTOR is on the minus strand). VCF-style: chr1-11134381-T-C. GRCh37 (hg19) VCF-style: chr1-11194438-T-C.
Other names: c.5216A>G, p.His1739Arg (NM_001386500.1); c.3968A>G, p.His1323Arg (NM_001386501.1); short protein forms H1739R, H1323R.
Identifiers: ClinVar variation 2892135 (VCV002892135.4), dbSNP rs1392537858, ClinGen allele CA338400706.
Genomic context (GRCh38, chr1:11,134,381, plus strand): 5'-TGACTTGCCCCAGGTCAGTGGGGACCTCACCGGGCCATGAGCTTGTGCAGTTCCTGCTTA[T>C]GCTGCTGGTCCTCAGTAGCGATGGCATGCTGGGCCTGTTGCTGCATGGTCTGGACAAAAT-3'
Protein context (NP_004949.1, residues 1729-1749): QHAIATEDQQ[His1739Arg]KQELHKLMAR

ClinVar aggregate classification (germline): Uncertain significance. Review status: criteria provided, multiple submitters, no conflicts (2 of 4 stars). 2 submissions from 2 submitters: Uncertain significance (2). Last evaluated 2025-04-03.

Conditions:
Inborn genetic diseases. Identifiers: MedGen C0950123, MeSH D030342.

Allele frequency attached by ClinVar (database versions not stated): gnomAD exomes below 0.00001; TOPMed 0.00002; gnomAD 0.00003.
gnomAD v4.1: 11 of 1,614,070 alleles (0.00068%); highest among the groups gnomAD compares: African/African-American, 0.0053%; no homozygotes.

Submissions (2):

Ambry Genetics
Classification: Uncertain significance for Inborn genetic diseases. Last evaluated: 2025-04-03. Review status: criteria provided, single submitter. Criteria: Ambry Variant Classification Scheme 2023. Collection method: clinical testing. Allele origin: germline.

Labcorp Genetics (formerly Invitae), Labcorp
Classification: Uncertain significance. Last evaluated: 2023-11-27. Review status: criteria provided, single submitter. Criteria: Invitae Variant Classification Sherloc (09022015). Collection method: clinical testing. Allele origin: germline.
Comment: This sequence change replaces histidine, which is basic and polar, with arginine, which is basic and polar, at codon 1739 of the MTOR protein (p.His1739Arg). This variant is not present in population databases (gnomAD no frequency). This variant has not been reported in the literature in individuals affected with MTOR-related conditions. Advanced modeling of protein sequence and biophysical properties (such as structural, functional, and spatial information, amino acid conservation, physicochemical variation, residue mobility, and thermodynamic stability) performed at Invitae indicates that this missense variant is not expected to disrupt MTOR protein function with a negative predictive value of 95%. Algorithms developed to predict the effect of sequence changes on RNA splicing suggest that this variant may create or strengthen a splice site. In summary, the available evidence is currently insufficient to determine the role of this variant in disease. Therefore, it has been classified as a Variant of Uncertain Significance.